The following is an entry in ClinVar:

NM_002185.5(IL7R):c.853C>A (p.His285Asn)

Gene: IL7R (interleukin 7 receptor; plus strand). Cytogenetic location: 5p13.2.
Variant type: single nucleotide variant.
Coding change: c.853C>A on transcript NM_002185.5 (MANE Select); coding-DNA position 853, C replaced by A.
Protein change: p.His285Asn; replaces histidine 285 with asparagine.
Molecular consequence: missense variant. On other transcripts: non-coding transcript variant (1).
Genome position (GRCh38, 1-based): chr5:35,875,564, C>A. VCF-style: chr5-35875564-C-A. GRCh37 (hg19) VCF-style: chr5-35875666-C-A.
Other names: short protein forms H285N.
Identifiers: ClinVar variation 950763 (VCV000950763.10), dbSNP rs1022245698, ClinGen allele CA359432150.

ClinVar aggregate classification (germline): Uncertain significance (1 of 4 stars; one submission).

Conditions:
Immunodeficiency 104. Also called: SCID, AUTOSOMAL RECESSIVE, T CELL-NEGATIVE, B CELL-POSITIVE, NK CELL-POSITIVE; Severe Combined Immune Deficiency, Autosomal Recessive, TCell -Negative, B Cell-Positive, NK Cell-Positive, IL7R-Related; IMMUNODEFICIENCY 104, SEVERE COMBINED; Severe combined immunodeficiency, autosomal recessive, T cell-negative, B cell-positive, NK cell-positive. Identifiers: MedGen C5676890, MONDO:0012163, OMIM 608971.

Submission:

Labcorp Genetics (formerly Invitae), Labcorp
Classification: Uncertain significance for Immunodeficiency 104. Last evaluated: 2019-04-24. Review status: criteria provided, single submitter. Criteria: Invitae Variant Classification Sherloc (09022015). Collection method: clinical testing. Allele origin: germline.
Comment: In summary, the available evidence is currently insufficient to determine the role of this variant in disease. Therefore, it has been classified as a Variant of Uncertain Significance. This sequence change replaces histidine with asparagine at codon 285 of the IL7R protein (p.His285Asn). The histidine residue is weakly conserved and there is a small physicochemical difference between histidine and asparagine. Algorithms developed to predict the effect of missense changes on protein structure and function (SIFT, PolyPhen-2, Align-GVGD) all suggest that this variant is likely to be tolerated, but these predictions have not been confirmed by published functional studies and their clinical significance is uncertain. This variant has not been reported in the literature in individuals with IL7R-related conditions. This variant is not present in population databases (ExAC no frequency).